The following is an entry in ClinVar:

NM_005257.6(GATA6):c.784C>T (p.Arg262Cys)

Gene: GATA6 (GATA binding protein 6; plus strand). Cytogenetic location: 18q11.2.
Variant type: single nucleotide variant.
Coding change: c.784C>T on transcript NM_005257.6 (MANE Select); coding-DNA position 784, C replaced by T.
Protein change: p.Arg262Cys; replaces arginine 262 with cysteine.
Molecular consequence: missense variant.
Genome position (GRCh38, 1-based): chr18:22,171,928, C>T. VCF-style: chr18-22171928-C-T. GRCh37 (hg19) VCF-style: chr18-19751889-C-T.
Other names: short protein forms R262C.
Identifiers: ClinVar variation 1013657 (VCV001013657.8), dbSNP rs1409189846, ClinGen allele CA401800793.

ClinVar aggregate classification (germline): Uncertain significance (1 of 4 stars; one submission).

Conditions:
Atrioventricular septal defect 5 (AVSD5). Identifiers: MedGen C3280939, MONDO:0013769, OMIM 614474.

Allele frequency attached by ClinVar (database versions not stated): gnomAD 0.00001; gnomAD exomes 0.00001.

Submission:

Labcorp Genetics (formerly Invitae), Labcorp
Classification: Uncertain significance for Atrioventricular septal defect 5. Last evaluated: 2020-03-09. Review status: criteria provided, single submitter. Criteria: Invitae Variant Classification Sherloc (09022015). Collection method: clinical testing. Allele origin: germline.
Comment: This sequence change replaces arginine with cysteine at codon 262 of the GATA6 protein (p.Arg262Cys). The arginine residue is moderately conserved and there is a large physicochemical difference between arginine and cysteine. The frequency data for this variant in the population databases is considered unreliable, as metrics indicate insufficient coverage at this position in the ExAC database. This variant has not been reported in the literature in individuals with GATA6-related conditions. Algorithms developed to predict the effect of missense changes on protein structure and function are either unavailable or do not agree on the potential impact of this missense change (SIFT: "Deleterious"; PolyPhen-2: "Probably Damaging"; Align-GVGD: "Class C0"). In summary, the available evidence is currently insufficient to determine the role of this variant in disease. Therefore, it has been classified as a Variant of Uncertain Significance.